The following is an entry in ClinVar:

NM_000108.5(DLD):c.1214C>A (p.Ser405Ter)

Gene: DLD (dihydrolipoamide dehydrogenase; plus strand). Cytogenetic location: 7q31.1.
Variant type: single nucleotide variant.
Coding change: c.1214C>A on transcript NM_000108.5 (MANE Select); coding-DNA position 1214, C replaced by A.
Protein change: p.Ser405Ter; replaces serine 405 with a stop codon.
Molecular consequence: nonsense.
Genome position (GRCh38, 1-based): chr7:107,917,440, C>A. VCF-style: chr7-107917440-C-A. GRCh37 (hg19) VCF-style: chr7-107557885-C-A.
Other names: c.917C>A, p.Ser306Ter (NM_001289750.1); c.1145C>A, p.Ser382Ter (NM_001289751.1); c.1070C>A, p.Ser357Ter (NM_001289752.1); c.1214C>A (NM_000108.4); short protein forms S306*, S357*, S382*, S405*.
Identifiers: ClinVar variation 2674864 (VCV002674864.5), dbSNP rs1267571380, ClinGen allele CA368858584.

ClinVar aggregate classification (germline): Pathogenic/Likely pathogenic. Review status: criteria provided, multiple submitters, no conflicts (2 of 4 stars). 3 submissions from 3 submitters: Pathogenic (1); Likely pathogenic (2). Last evaluated 2024-03-23.

Conditions:
Pyruvate dehydrogenase E3 deficiency (DLDD). Also called: Dihydrolipoamide Dehydrogenase (E3) Deficiency; Dihydrolipoamide Dehydrogenase E3 Deficiency; Lipoamide dehydrogenase deficiency, lactic acidosis due to; DLD DEFICIENCY; E3 DEFICIENCY; Lipoamide dehydrogenase deficiency. Identifiers: Orphanet 2394, Orphanet 765, MedGen C5574660, MONDO:0009529, OMIM 246900.

Allele frequency attached by ClinVar (database versions not stated): TOPMed below 0.00001; gnomAD 0.00002.
gnomAD v4.1: 3 of 1,613,980 alleles (0.00019%); highest among the groups gnomAD compares: African/African-American, 0.004%; no homozygotes.

Submissions (3):

Natera, Inc.
Classification: Likely pathogenic for Maple syrup urine disease type 3. Last evaluated: 2024-03-23. Review status: criteria provided, single submitter. Criteria: Natera Variant Classification Schema (03/2026). Collection method: clinical testing. Allele origin: germline.
Comment: The c.1214C>A variant in DLD is a nonsense variant predicted to introduce a stop codon at amino acid 405. This variant is expected to result in nonsense mediated decay, truncation, or a dysfunctional protein product. This variant is rare in the general population with a frequency below the threshold expected for the associated phenotype(s). Given the available evidence, this variant is classified as Likely Pathogenic.

Baylor Genetics
Classification: Likely pathogenic for Pyruvate dehydrogenase E3 deficiency. Last evaluated: 2024-01-29. Review status: criteria provided, single submitter. Criteria: ACMG Guidelines, 2015. Collection method: clinical testing. Allele origin: unknown.

Labcorp Genetics (formerly Invitae), Labcorp
Classification: Pathogenic for Pyruvate dehydrogenase E3 deficiency. Last evaluated: 2023-02-04. Review status: criteria provided, single submitter. Criteria: Invitae Variant Classification Sherloc (09022015). Collection method: clinical testing. Allele origin: germline.
Comment: This variant has not been reported in the literature in individuals affected with DLD-related conditions. For these reasons, this variant has been classified as Pathogenic. This variant is present in population databases (no rsID available, gnomAD 0.01%). This sequence change creates a premature translational stop signal (p.Ser405*) in the DLD gene. It is expected to result in an absent or disrupted protein product. Loss-of-function variants in DLD are known to be pathogenic (PMID: 8968745, 9934985).

Literature cited by the submitters: PubMed 8968745 (cited by Labcorp Genetics (formerly Invitae), Labcorp); PubMed 9934985 (cited by Labcorp Genetics (formerly Invitae), Labcorp).